The following is an entry in ClinVar:

ClinVar aggregate classification (germline): Uncertain significance (1 of 4 stars; one submission).

Submission:

Labcorp Genetics (formerly Invitae), Labcorp
Classification: Uncertain significance. Last evaluated: 2021-10-13. Review status: criteria provided, single submitter. Criteria: Invitae Variant Classification Sherloc (09022015). Collection method: clinical testing. Allele origin: germline.
Comment: In summary, the available evidence is currently insufficient to determine the role of this variant in disease. Therefore, it has been classified as a Variant of Uncertain Significance. Algorithms developed to predict the effect of missense changes on protein structure and function are either unavailable or do not agree on the potential impact of this missense change (SIFT: "Deleterious"; PolyPhen-2: "Possibly Damaging"; Align-GVGD: "Class C0"). This variant has not been reported in the literature in individuals affected with GPR179-related conditions. This variant is not present in population databases (ExAC no frequency). This sequence change replaces threonine with proline at codon 101 of the GPR179 protein (p.Thr101Pro). The threonine residue is moderately conserved and there is a small physicochemical difference between threonine and proline.

NM_001004334.4(GPR179):c.301A>C (p.Thr101Pro)

Gene: GPR179 (G protein-coupled receptor 179; minus strand). Cytogenetic location: 17q12.
Variant type: single nucleotide variant.
Coding change: c.301A>C on transcript NM_001004334.4 (MANE Select); coding-DNA position 301, A replaced by C.
Protein change: p.Thr101Pro; replaces threonine 101 with proline.
Molecular consequence: missense variant.
Genome position (GRCh38, 1-based): chr17:38,343,489, T>G on the plus strand (A>C on the coding strand, the complement: GPR179 is on the minus strand). VCF-style: chr17-38343489-T-G. GRCh37 (hg19) VCF-style: chr17-36499372-T-G.
Other names: short protein forms T101P.
Identifiers: ClinVar variation 1386712 (VCV001386712.6), dbSNP rs752802304, ClinGen allele CA398889515.
Genomic context (GRCh38, chr17:38,343,489, plus strand): 5'-ACTCACGGATGTCGTTGGCTTGCAGCAGCATGTTGAGAAAATTGGCGGCCTGGGCAAGGG[T>G]GCCCGCTGCCCCCTGTAGGCTTGGGGGGAGCCCTGGCATGGCTCCTGCCCCACGCGCTTC-3'
Protein context (NP_001004334.3, residues 91-111): LPPSLQGAAG[Thr101Pro]LAQAANFLNM